The following is an entry in ClinVar:

NM_000212.3(ITGB3):c.448A>G (p.Met150Val)

Gene: ITGB3 (integrin subunit beta 3; plus strand). Cytogenetic location: 17q21.32.
Variant type: single nucleotide variant.
Coding change: c.448A>G on transcript NM_000212.3 (MANE Select); coding-DNA position 448, A replaced by G.
Protein change: p.Met150Val; replaces methionine 150 with valine.
Molecular consequence: missense variant.
Genome position (GRCh38, 1-based): chr17:47,284,529, A>G. VCF-style: chr17-47284529-A-G. GRCh37 (hg19) VCF-style: chr17-45361895-A-G.
Other names: short protein forms M150V.
Identifiers: ClinVar variation 953053 (VCV000953053.11), dbSNP rs767548512, ClinGen allele CA8622961.

ClinVar aggregate classification (germline): Likely pathogenic. Review status: reviewed by expert panel (3 of 4 stars). 5 submissions from 3 submitters: Likely pathogenic (1). 4 of the submissions do not count toward it. Last evaluated 2025-06-19.

Conditions:
Glanzmann thrombasthenia 1 (GT1). Also called: BLEEDING DISORDER, PLATELET-TYPE, 2; GP IIb-IIIa COMPLEX DEFICIENCY; GLYCOPROTEIN COMPLEX IIb-IIIa DEFICIENCY; PLATELET FIBRINOGEN RECEPTOR DEFICIENCY. Identifiers: MedGen CN300358, MONDO:0031332, OMIM 273800.
Glanzmann thrombasthenia 2. Also called: BLEEDING DISORDER, PLATELET-TYPE, 23. Identifiers: MedGen C5543273, MONDO:0031009, OMIM 619267.
Bleeding disorder, platelet-type, 24. Also called: GLANZMANN THROMBASTHENIA-LIKE WITH MACROTHROMBOCYTOPENIA 2. Identifiers: MedGen C5543280, MONDO:0030996, OMIM 619271.
Glanzmann thrombasthenia. Also called: THROMBASTHENIA OF GLANZMANN AND NAEGELI; Thrombasthenia; Glanzmann's thrombasthenia; PLATELET GLYCOPROTEIN IIb-IIIa DEFICIENCY. Identifiers: Orphanet 849, MedGen C0040015, MONDO:0100326.

Allele frequency attached by ClinVar (database versions not stated): ExAC 0.00001.

Submissions (5):

ClinGen Platelet Disorders Variant Curation Expert Panel, ClinGen
Classification: Likely pathogenic for Glanzmann thrombasthenia. Last evaluated: 2025-06-19. Review status: reviewed by expert panel. Criteria: ClinGen Platelet ACMG Specifications v2-1. Collection method: curation. Allele origin: germline. Inheritance: Autosomal recessive inheritance.
Comment: The NM_000419.5:c.448A>G variant in ITGB3 is a missense variant predicted to cause substitution of methionine by valine at amino acid 150 (p.Met150Val). This variant has been detected in at least 3 probands with Glanzmann thrombasthenia. Two of these individuals were compound heterozygous for this variant and a pathogenic variant and one of those was confirmed to carry the variants in trans by parental testing (c.774_775del (phase not confirmed) and p.Asp145Tyr (phase confirmed)). An additional proband was reported to be homozygous for the variant (personal communication with Dr. Jose Rivera (Servicio de Hematologıa y Oncologıa Medica, Hospital Universitario Morales Meseguer, Centro Regional de Hemodonacion, Universidad de Murcia)) (PM3_Strong). At least one patient (Patient GT-1, PMID: 25539746) with this variant displayed mucocutaneous bleeding and impaired aggregation with all agonists except ristocetin, which is highly specific for Glanzmann thrombasthenia (PP4_Moderate). Additionally, αIIbβ3 surface expression was reduced to <25%), as measured by flow cytometry. However, ITGA2B and ITGB3 were not reported to be sequenced across all exons and intron/exon boundaries. The highest population minor allele frequency in gnomAD v4.1 is 0.00001098 (1/91082 alleles) in the South Asian population, which is lower than the ClinGen Platelet Disorders VCEP threshold (<0.0001; PM2_Supporting). Furthermore, the computational predictor REVEL gives a score of 0.968, which is above the ClinGen Platelet Disorders VCEP threshold of >0.7 and predicts a damaging effect on function (PP3). In summary this variant meets criteria to be classified as likely pathogenic for autosomal recessive Glanzmann Thrombasthenia based on the ACMG/AMP criteria applied, as specified by the ClinGen PD VCEP: PM2_Supporting, PM3_Strong, PP3, PP4_Moderate. (VCEP specifications version 2)

Labcorp Genetics (formerly Invitae), Labcorp
Classification: Likely pathogenic. Last evaluated: 2023-03-04. Review status: criteria provided, single submitter. Criteria: Invitae Variant Classification Sherloc (09022015). Collection method: clinical testing. Allele origin: germline. Not counted in ClinVar's aggregate classification.
Comment: Advanced modeling of protein sequence and biophysical properties (such as structural, functional, and spatial information, amino acid conservation, physicochemical variation, residue mobility, and thermodynamic stability) performed at Invitae indicates that this missense variant is expected to disrupt ITGB3 protein function. In summary, the currently available evidence indicates that the variant is pathogenic, but additional data are needed to prove that conclusively. Therefore, this variant has been classified as Likely Pathogenic. Experimental studies have shown that this missense change affects ITGB3 function (PMID: 15583747). ClinVar contains an entry for this variant (Variation ID: 953053). This variant is also known as p.Met124Val. This missense change has been observed in individual(s) with Glanzmann’s thrombasthenia (PMID: 15583747, 25539746). In at least one individual the data is consistent with being in trans (on the opposite chromosome) from a pathogenic variant. This variant is present in population databases (rs767548512, gnomAD 0.003%). This sequence change replaces methionine, which is neutral and non-polar, with valine, which is neutral and non-polar, at codon 150 of the ITGB3 protein (p.Met150Val).

ISTH-SSC Genomics in Thrombosis and Hemostasis, KU Leuven, Center for Molecular and Vascular Biology
Classification: Uncertain significance for Bleeding disorder, platelet-type, 24. Review status: criteria provided, single submitter. Criteria: ACMG Guidelines, 2015. Collection method: clinical testing. Allele origin: germline. Affected: yes. Observed: 1 heterozygote. Not counted in ClinVar's aggregate classification.
Comment: Submitted to GoldVariant by Jose María Bastida and José Rivera; Grupo Español de Alteraciones Plaquetarias Congénitas (GEAPC)

ISTH-SSC Genomics in Thrombosis and Hemostasis, KU Leuven, Center for Molecular and Vascular Biology
Classification: Pathogenic for Glanzmann thrombasthenia 2. Review status: criteria provided, single submitter. Criteria: ACMG Guidelines, 2015. Collection method: clinical testing. Allele origin: germline. Affected: yes. Observed: 2 homozygotes. Clinical features observed: Impaired platelet aggregation and flow cytometry with absence of GPIIb/IIIa, Impaired platelet aggregation and flow cytometry. Not counted in ClinVar's aggregate classification.
Comment: the same text as in the submission from ISTH-SSC Genomics in Thrombosis and Hemostasis, KU Leuven, Center for Molecular and Vascular Biology above.

ISTH-SSC Genomics in Thrombosis and Hemostasis, KU Leuven, Center for Molecular and Vascular Biology
Classification: Likely pathogenic for Glanzmann thrombasthenia 1. Review status: no assertion criteria provided. Collection method: research. Allele origin: germline. Affected: yes. Not counted in ClinVar's aggregate classification.
Comment: Submitted to GoldVariant by Jose María Bastida from Grupo Español de Alteraciones Plaquetarias Congénitas (GEAPC), Salamanca, Spain

Literature cited by the submitters: PubMed 15583747 (cited by Labcorp Genetics (formerly Invitae), Labcorp and ISTH-SSC Genomics in Thrombosis and Hemostasis, KU Leuven, Center for Molecular and Vascular Biology); PubMed 25539746 (cited by Labcorp Genetics (formerly Invitae), Labcorp).